The following is an entry in ClinVar:

ClinVar aggregate classification (germline): Uncertain significance (0 of 4 stars; one submission).

Conditions:
LEPR-related disorder. Also called: LEPR-related condition; LEPR-related disorders.

Submission:

PreventionGenetics, part of Exact Sciences
Classification: Uncertain significance for LEPR-related condition. Last evaluated: 2024-01-11. Review status: no assertion criteria provided. Collection method: clinical testing. Allele origin: germline.
Comment: The LEPR c.3398C>G variant is predicted to result in the amino acid substitution p.Ser1133Cys. To our knowledge, this variant has not been reported in the literature. This variant is reported in 0.0062% of alleles in individuals of African descent in gnomAD. At this time, the clinical significance of this variant is uncertain due to the absence of conclusive functional and genetic evidence.

NM_002303.6(LEPR):c.3398C>G (p.Ser1133Cys)

Gene: LEPR (leptin receptor; plus strand). Cytogenetic location: 1p31.3.
Variant type: single nucleotide variant.
Coding change: c.3398C>G on transcript NM_002303.6 (MANE Select); coding-DNA position 3398, C replaced by G.
Protein change: p.Ser1133Cys; replaces serine 1133 with cysteine.
Molecular consequence: missense variant.
Genome position (GRCh38, 1-based): chr1:65,636,915, C>G. VCF-style: chr1-65636915-C-G. GRCh37 (hg19) VCF-style: chr1-66102598-C-G.
Other names: short protein forms S1133C.
Identifiers: ClinVar variation 3356569 (VCV003356569.1).